The following is an entry in ClinVar:

NM_020821.3(VPS13C):c.7561A>C (p.Ser2521Arg)

Gene: VPS13C (vacuolar protein sorting 13 homolog C; minus strand). Cytogenetic location: 15q22.2.
Variant type: single nucleotide variant.
Coding change: c.7561A>C on transcript NM_020821.3 (MANE Select); coding-DNA position 7561, A replaced by C.
Protein change: p.Ser2521Arg; replaces serine 2521 with arginine.
Molecular consequence: missense variant.
Genome position (GRCh38, 1-based): chr15:61,919,366, T>G on the plus strand (A>C on the coding strand, the complement: VPS13C is on the minus strand). VCF-style: chr15-61919366-T-G. GRCh37 (hg19) VCF-style: chr15-62211565-T-G.
Other names: c.7561A>C, p.Ser2521Arg (NM_001018088.3); c.7432A>C, p.Ser2478Arg (NM_017684.5, NM_018080.4); short protein forms S2478R, S2521R.
Identifiers: ClinVar variation 1444783 (VCV001444783.4), dbSNP rs769177097, ClinGen allele CA7595231.
Genomic context (GRCh38, chr15:61,919,366, plus strand): 5'-GGGTAATTACTTTATTCCCTTCAGTTGCATCAATTTGTACCAAGACAGAGTCAGAATGAC[T>G]GGCATTGGGATTCCGTACATTATACAATCGCCGTCCAGGTCTGGCCACAGGGATATTTGC-3'
Protein context (NP_065872.1, residues 2511-2531): RLYNVRNPNA[Ser2521Arg]HSDSVLVQID

ClinVar aggregate classification (germline): Uncertain significance (1 of 4 stars; one submission).

Allele frequency attached by ClinVar (database versions not stated): gnomAD 0.00001; ExAC 0.00002; gnomAD exomes 0.00002.
gnomAD v4.1: 51 of 1,605,090 alleles (0.0032%); highest among the groups gnomAD compares: Non-Finnish European, 0.0043%; no homozygotes.

Submission:

Labcorp Genetics (formerly Invitae), Labcorp
Classification: Uncertain significance. Last evaluated: 2025-11-21. Review status: criteria provided, single submitter. Criteria: Invitae Variant Classification Sherloc (09022015). Collection method: clinical testing. Allele origin: germline.
Comment: This sequence change replaces serine, which is neutral and polar, with arginine, which is basic and polar, at codon 2521 of the VPS13C protein (p.Ser2521Arg). This variant is present in population databases (rs769177097, gnomAD 0.004%). This variant has not been reported in the literature in individuals affected with VPS13C-related conditions. ClinVar contains an entry for this variant (Variation ID: 1444783). Invitae Evidence Modeling of protein sequence and biophysical properties (such as structural, functional, and spatial information, amino acid conservation, physicochemical variation, residue mobility, and thermodynamic stability) indicates that this missense variant is not expected to disrupt VPS13C protein function with a negative predictive value of 80%. In summary, the available evidence is currently insufficient to determine the role of this variant in disease. Therefore, it has been classified as a Variant of Uncertain Significance.